The following is an entry in ClinVar:

NM_000465.4(BARD1):c.950A>T (p.Glu317Val)

Gene: BARD1 (BRCA1 associated RING domain 1; minus strand). Cytogenetic location: 2q35.
Variant type: single nucleotide variant.
Coding change: c.950A>T on transcript NM_000465.4 (MANE Select); coding-DNA position 950, A replaced by T.
Protein change: p.Glu317Val; replaces glutamic acid 317 with valine.
Molecular consequence: missense variant. On other transcripts: non-coding transcript variant (2), intron variant (3).
Genome position (GRCh38, 1-based): chr2:214,780,924, T>A on the plus strand (A>T on the coding strand, the complement: BARD1 is on the minus strand). VCF-style: chr2-214780924-T-A. GRCh37 (hg19) VCF-style: chr2-215645648-T-A.
Other names: c.893A>T, p.Glu298Val (NM_001282543.2); c.159-28369A>T (NM_001282548.2); c.215+16137A>T (NM_001282545.2); c.364+11373A>T (NM_001282549.2); short protein forms E298V, E317V.
Identifiers: ClinVar variation 1717899 (VCV001717899.5), dbSNP rs2469506234, ClinGen allele CA350454802.

ClinVar aggregate classification (germline): Uncertain significance (1 of 4 stars; one submission).

Conditions:
Familial cancer of breast. Also called: BREAST CANCER, FAMILIAL; hereditary breast carcinoma; Hereditary breast cancer. Identifiers: Orphanet 227535, MedGen C0346153, MONDO:0016419, OMIM 114480. Disease mechanism: loss of function.

Submission:

Labcorp Genetics (formerly Invitae), Labcorp
Classification: Uncertain significance for Familial cancer of breast. Last evaluated: 2022-10-18. Review status: criteria provided, single submitter. Criteria: Invitae Variant Classification Sherloc (09022015). Collection method: clinical testing. Allele origin: germline.
Comment: In summary, the available evidence is currently insufficient to determine the role of this variant in disease. Therefore, it has been classified as a Variant of Uncertain Significance. Algorithms developed to predict the effect of missense changes on protein structure and function (SIFT, PolyPhen-2, Align-GVGD) all suggest that this variant is likely to be tolerated. This variant has not been reported in the literature in individuals affected with BARD1-related conditions. This variant is not present in population databases (gnomAD no frequency). This sequence change replaces glutamic acid, which is acidic and polar, with valine, which is neutral and non-polar, at codon 317 of the BARD1 protein (p.Glu317Val).